The following is an entry in ClinVar:

ClinVar aggregate classification (germline): Uncertain significance. Review status: criteria provided, multiple submitters, no conflicts (2 of 4 stars). 3 submissions from 3 submitters: Uncertain significance (3). Last evaluated 2024-09-09.

Conditions:
Immunodeficiency 132A. Also called: Herpes simplex encephalitis, susceptibility to, 3. Identifiers: Orphanet 1930, MedGen C3553868, MONDO:0013920, OMIM 614849.

Allele frequency attached by ClinVar (database versions not stated): gnomAD 0.00004 and 0.00005; gnomAD exomes 0.00004 and 0.00010; ExAC 0.00010; TOPMed 0.00006.
gnomAD v4.1: 70 of 1,613,460 alleles (0.0043%); highest among the groups gnomAD compares: East Asian, 0.085%; no homozygotes.

Submissions (3):

Labcorp Genetics (formerly Invitae), Labcorp
Classification: Uncertain significance for Immunodeficiency 132A. Last evaluated: 2024-09-09. Review status: criteria provided, single submitter. Criteria: Invitae Variant Classification Sherloc (09022015). Collection method: clinical testing. Allele origin: germline.
Comment: This sequence change replaces alanine, which is neutral and non-polar, with valine, which is neutral and non-polar, at codon 188 of the TRAF3 protein (p.Ala188Val). This variant is present in population databases (rs763088249, gnomAD 0.1%), and has an allele count higher than expected for a pathogenic variant. This variant has not been reported in the literature in individuals affected with TRAF3-related conditions. ClinVar contains an entry for this variant (Variation ID: 1037232). An algorithm developed to predict the effect of missense changes on protein structure and function (PolyPhen-2) suggests that this variant¬†is likely to be tolerated. In summary, the available evidence is currently insufficient to determine the role of this variant in disease. Therefore, it has been classified as a Variant of Uncertain Significance.

Department of Pathology and Laboratory Medicine, Sinai Health System
Classification: Uncertain significance for Immunodeficiency 132A. Last evaluated: 2022-08-25. Review status: criteria provided, single submitter. Criteria: ACMG Guidelines, 2015. Collection method: research. Allele origin: germline.

Fulgent Genetics
Classification: Uncertain significance for Immunodeficiency 132A. Last evaluated: 2022-01-10. Review status: criteria provided, single submitter. Criteria: ACMG Guidelines, 2015. Collection method: clinical testing. Allele origin: unknown.

NM_145725.3(TRAF3):c.563C>T (p.Ala188Val)

Gene: TRAF3 (TNF receptor associated factor 3; plus strand). Cytogenetic location: 14q32.32.
Variant type: single nucleotide variant.
Coding change: c.563C>T on transcript NM_145725.3 (MANE Select); coding-DNA position 563, C replaced by T.
Protein change: p.Ala188Val; replaces alanine 188 with valine.
Molecular consequence: missense variant.
Genome position (GRCh38, 1-based): chr14:102,876,518, C>T. VCF-style: chr14-102876518-C-T. GRCh37 (hg19) VCF-style: chr14-103342855-C-T.
Other names: c.563C>T, p.Ala188Val (NM_001199427.2, NM_001385142.1, NM_001385143.1 and 2 more transcripts); short protein forms A188V.
Identifiers: ClinVar variation 1037232 (VCV001037232.10), dbSNP rs763088249, ClinGen allele CA7359291.
Genomic context (GRCh38, chr14:102,876,518, plus strand): 5'-AGGCGTGTAAATACCGGGAAGCCACATGCAGCCACTGCAAGAGTCAGGTTCCGATGATCG[C>T]GCTGCAGGTGCGGGTCCTCCCATTCCACAGGCCTTCCACTCAATTCCTATATGATACATT-3'
Protein context (NP_663777.1, residues 178-198): SHCKSQVPMI[Ala188Val]LQKHEDTDCP